The following is an entry in ClinVar:

NM_001145860.2(POP1):c.2473G>A (p.Asp825Asn)

Gene: POP1 (POP1 ribonuclease P/MRP subunit; plus strand). Cytogenetic location: 8q22.2.
Variant type: single nucleotide variant.
Coding change: c.2473G>A on transcript NM_001145860.2 (MANE Select); coding-DNA position 2473, G replaced by A.
Protein change: p.Asp825Asn; replaces aspartic acid 825 with asparagine.
Molecular consequence: missense variant.
Genome position (GRCh38, 1-based): chr8:98,157,669, G>A. VCF-style: chr8-98157669-G-A. GRCh37 (hg19) VCF-style: chr8-99169897-G-A.
Other names: c.2473G>A, p.Asp825Asn (NM_001145861.2, NM_015029.3); c.2473G>A (NM_015029.2); short protein forms D825N.
Identifiers: ClinVar variation 1955798 (VCV001955798.6), dbSNP rs767166808, ClinGen allele CA4820854.

ClinVar aggregate classification (germline): Uncertain significance. Review status: criteria provided, multiple submitters, no conflicts (2 of 4 stars). 2 submissions from 2 submitters: Uncertain significance (2). Last evaluated 2025-02-10.

Conditions:
Inborn genetic diseases. Identifiers: MedGen C0950123, MeSH D030342.

Allele frequency attached by ClinVar (database versions not stated): ExAC 0.00001.
gnomAD v4.1: 7 of 1,614,086 alleles (0.00043%); highest among the groups gnomAD compares: Non-Finnish European, 0.00059%; no homozygotes.

Submissions (2):

Ambry Genetics
Classification: Uncertain significance for Inborn genetic diseases. Last evaluated: 2025-02-10. Review status: criteria provided, single submitter. Criteria: Ambry Variant Classification Scheme 2023. Collection method: clinical testing. Allele origin: germline.

Labcorp Genetics (formerly Invitae), Labcorp
Classification: Uncertain significance. Last evaluated: 2022-08-20. Review status: criteria provided, single submitter. Criteria: Invitae Variant Classification Sherloc (09022015). Collection method: clinical testing. Allele origin: germline.
Comment: In summary, the available evidence is currently insufficient to determine the role of this variant in disease. Therefore, it has been classified as a Variant of Uncertain Significance. Algorithms developed to predict the effect of missense changes on protein structure and function output the following: SIFT: "Tolerated"; PolyPhen-2: "Benign"; Align-GVGD: "Class C0". The asparagine amino acid residue is found in multiple mammalian species, which suggests that this missense change does not adversely affect protein function. This variant has not been reported in the literature in individuals affected with POP1-related conditions. This variant is present in population databases (rs767166808, gnomAD 0.003%). This sequence change replaces aspartic acid, which is acidic and polar, with asparagine, which is neutral and polar, at codon 825 of the POP1 protein (p.Asp825Asn).